The following is an entry in ClinVar:

NM_000038.6(APC):c.83A>G (p.Glu28Gly)

Gene: APC (APC regulator of Wnt signaling pathway; plus strand). Cytogenetic location: 5q22.2.
Variant type: single nucleotide variant.
Coding change: c.83A>G on transcript NM_000038.6 (MANE Select); coding-DNA position 83, A replaced by G.
Protein change: p.Glu28Gly; replaces glutamic acid 28 with glycine.
Molecular consequence: missense variant. On other transcripts: 5 prime UTR variant (1), intron variant (8).
Genome position (GRCh38, 1-based): chr5:112,754,973, A>G. VCF-style: chr5-112754973-A-G. GRCh37 (hg19) VCF-style: chr5-112090670-A-G.
Other names: c.83A>G, p.Glu28Gly (NM_001127510.3, NM_001354895.2, NM_001354896.2 and 2 more transcripts); c.-953A>G (NM_001354906.2); c.166-11353A>G (NM_001354897.2, NM_001354902.2, NM_001127511.3); c.61-11353A>G (NM_001354898.2, NM_001354904.2); c.-42-11353A>G (NM_001354900.2, NM_001354901.2, NM_001354905.2); short protein forms E28G.
Identifiers: ClinVar variation 854313 (VCV000854313.13), dbSNP rs1754793089, ClinGen allele CA16021519.
Genomic context (GRCh38, chr5:112,754,973, plus strand): 5'-AGTTGTTAAAGCAAGTTGAGGCACTGAAGATGGAGAACTCAAATCTTCGACAAGAGCTAG[A>G]AGATAATTCCAATCATCTTACAAAACTGGAAACTGAGGCATCTAATATGAAGGTATCAAG-3'
Protein context (NP_000029.2, residues 18-38): MENSNLRQEL[Glu28Gly]DNSNHLTKLE

ClinVar aggregate classification (germline): Uncertain significance. Review status: criteria provided, multiple submitters, no conflicts (2 of 4 stars). 3 submissions from 3 submitters: Uncertain significance (3). Last evaluated 2025-05-29.

Conditions:
Hereditary cancer-predisposing syndrome. Also called: Neoplastic Syndromes, Hereditary; Hereditary Cancer Syndrome; Tumor predisposition; Hereditary neoplastic syndrome. Identifiers: Orphanet 140162, MedGen C0027672, MeSH D009386, MONDO:0015356.
Familial adenomatous polyposis 1 (FAP1). Also called: POLYPOSIS, ADENOMATOUS INTESTINAL; FAMILIAL ADENOMATOUS POLYPOSIS 1, ATTENUATED. Identifiers: MedGen C2713442, MONDO:0021056, OMIM 175100. Disease mechanism: loss of function.

Submissions (3):

Ambry Genetics
Classification: Uncertain significance for Hereditary cancer-predisposing syndrome. Last evaluated: 2025-05-29. Review status: criteria provided, single submitter. Criteria: Ambry Variant Classification Scheme 2023. Collection method: clinical testing. Allele origin: germline.
Comment: The p.E28G variant (also known as c.83A>G), located in coding exon 1 of the APC gene, results from an A to G substitution at nucleotide position 83. The glutamic acid at codon 28 is replaced by glycine, an amino acid with similar properties. This amino acid position is conserved. In addition, in silico predictors for this gene do not accurately predict pathogenicity. Based on the available evidence, the clinical significance of this variant remains unclear.

Baylor Genetics
Classification: Uncertain significance for Familial adenomatous polyposis 1. Last evaluated: 2023-07-11. Review status: criteria provided, single submitter. Criteria: ACMG Guidelines, 2015. Collection method: clinical testing. Allele origin: unknown.

Labcorp Genetics (formerly Invitae), Labcorp
Classification: Uncertain significance for Familial adenomatous polyposis 1. Last evaluated: 2021-08-03. Review status: criteria provided, single submitter. Criteria: Invitae Variant Classification Sherloc (09022015). Collection method: clinical testing. Allele origin: germline.
Comment: This variant is not present in population databases (ExAC no frequency). This sequence change replaces glutamic acid with glycine at codon 28 of the APC protein (p.Glu28Gly). The glutamic acid residue is highly conserved and there is a moderate physicochemical difference between glutamic acid and glycine. This variant has not been reported in the literature in individuals with APC-related conditions. Algorithms developed to predict the effect of missense changes on protein structure and function are either unavailable or do not agree on the potential impact of this missense change (SIFT: "Tolerated"; PolyPhen-2: "Probably Damaging"; Align-GVGD: "Class C0"). In summary, the available evidence is currently insufficient to determine the role of this variant in disease. Therefore, it has been classified as a Variant of Uncertain Significance.